The following is an entry in ClinVar:

ClinVar aggregate classification (germline): Pathogenic (1 of 4 stars; one submission).

Conditions:
Glycogen storage disease IXd (GSD9D). Also called: GSD IXd; Muscle Phosphorylase Kinase Deficiency. Identifiers: Orphanet 715, MedGen C1845151, MONDO:0010362, OMIM 300559.

gnomAD v4.1: 1 of 1,188,878 alleles (0.000084%); highest among the groups gnomAD compares: Non-Finnish European, 0.00011%; no homozygotes.

Submission:

Labcorp Genetics (formerly Invitae), Labcorp
Classification: Pathogenic for Glycogen storage disease IXd. Last evaluated: 2024-12-16. Review status: criteria provided, single submitter. Criteria: Invitae Variant Classification Sherloc (09022015). Collection method: clinical testing. Allele origin: germline.
Comment: This sequence change creates a premature translational stop signal (p.Arg497*) in the PHKA1 gene. It is expected to result in an absent or disrupted protein product. Loss-of-function variants in PHKA1 are known to be pathogenic (PMID: 9731190, 15637709). This variant is present in population databases (rs781989524, gnomAD 0.001%). This variant has not been reported in the literature in individuals affected with PHKA1-related conditions. For these reasons, this variant has been classified as Pathogenic.

Literature cited by the submitters: PubMed 9731190; PubMed 15637709.

NM_002637.4(PHKA1):c.1489C>T (p.Arg497Ter)

Gene: PHKA1 (phosphorylase kinase regulatory subunit alpha 1; minus strand). Cytogenetic location: Xq13.1.
Variant type: single nucleotide variant.
Coding change: c.1489C>T on transcript NM_002637.4 (MANE Select); coding-DNA position 1489, C replaced by T.
Protein change: p.Arg497Ter; replaces arginine 497 with a stop codon.
Molecular consequence: nonsense.
Genome position (GRCh38, 1-based): chrX:72,636,357, G>A on the plus strand (C>T on the coding strand, the complement: PHKA1 is on the minus strand). VCF-style: chrX-72636357-G-A. GRCh37 (hg19) VCF-style: chrX-71856207-G-A.
Other names: c.1489C>T, p.Arg497Ter (NM_001122670.2, NM_001172436.2, NM_001431068.1); short protein forms R497*.
Identifiers: ClinVar variation 3700118 (VCV003700118.2).